The following is an entry in ClinVar:

ClinVar aggregate classification (germline): Uncertain significance. Review status: criteria provided, multiple submitters, no conflicts (2 of 4 stars). 2 submissions from 2 submitters: Uncertain significance (2). Last evaluated 2024-06-11.

Conditions:
Autosomal recessive limb-girdle muscular dystrophy type 2J (LGMDR10). Also called: Limb-girdle muscular dystrophy, type 2J; MUSCULAR DYSTROPHY, LIMB-GIRDLE, AUTOSOMAL RECESSIVE 10. Identifiers: Orphanet 140922, MedGen C1837342, MONDO:0012127, OMIM 608807.
Dilated cardiomyopathy 1G (CMD1G). Identifiers: Orphanet 154, MedGen C1858763, MONDO:0011400, OMIM 604145.

Submissions (2):

GeneDx
Classification: Uncertain significance. Last evaluated: 2024-06-11. Review status: criteria provided, single submitter. Criteria: GeneDx Variant Classification Process June 2021. Collection method: clinical testing. Allele origin: germline. Affected: yes.
Comment: Not observed at significant frequency in large population cohorts (gnomAD); Missense variant in a gene in which most reported pathogenic variants are truncating/loss of function; Has not been previously published as pathogenic or benign to our knowledge

Labcorp Genetics (formerly Invitae), Labcorp
Classification: Uncertain significance for Dilated cardiomyopathy 1G; Autosomal recessive limb-girdle muscular dystrophy type 2J. Last evaluated: 2017-04-04. Review status: criteria provided, single submitter. Criteria: Invitae Variant Classification Sherloc (09022015). Collection method: clinical testing. Allele origin: germline.

NM_001267550.2(TTN):c.34592A>G (p.Glu11531Gly)

Gene: TTN (titin; minus strand). Cytogenetic location: 2q31.2.
Variant type: single nucleotide variant.
Coding change: c.34592A>G on transcript NM_001267550.2 (MANE Select); coding-DNA position 34592, A replaced by G.
Protein change: p.Glu11531Gly; replaces glutamic acid 11531 with glycine.
Molecular consequence: missense variant. On other transcripts: intron variant (3).
Genome position (GRCh38, 1-based): chr2:178,675,059, T>C on the plus strand (A>G on the coding strand, the complement: TTN is on the minus strand). VCF-style: chr2-178675059-T-C. GRCh37 (hg19) VCF-style: chr2-179539786-T-C.
Other names: c.34592A>G (NM_001267550.1); c.33470A>G, p.Glu11157Gly (NM_001256850.1); c.30689A>G, p.Glu10230Gly (NM_133378.4); c.13283-32742A>G (NM_003319.4); c.13859-32742A>G (NM_133437.4); c.13658-32742A>G (NM_133432.3); short protein forms E11531G, E10230G, E11157G.
Identifiers: ClinVar variation 467041 (VCV000467041.4), dbSNP rs1553815943, ClinGen allele CA349524172.